The following is an entry in ClinVar:

NM_001034850.3(RETREG1):c.1000+198A>G

Gene: RETREG1 (reticulophagy regulator 1; minus strand). Cytogenetic location: 5p15.1.
Variant type: single nucleotide variant.
Coding change: c.1000+198A>G on transcript NM_001034850.3 (MANE Select); 198 bases into the intron after coding-DNA position 1000, A replaced by G.
Molecular consequence: intron variant.
Genome position (GRCh38, 1-based): chr5:16,477,464, T>C on the plus strand (A>G on the coding strand, the complement: RETREG1 is on the minus strand). VCF-style: chr5-16477464-T-C. GRCh37 (hg19) VCF-style: chr5-16477573-T-C.
Other names: c.577+198A>G (NM_019000.5).
Identifiers: ClinVar variation 677590 (VCV000677590.1), dbSNP rs77537077, ClinGen allele CA114756404.
Genomic context (GRCh38, chr5:16,477,464, plus strand): 5'-TTATATGGACCTGCTTATTCTAGGCATTTCATATAAATGGAATTACACAGTATGTGGCAT[T>C]TTGTGTCTGGCTTCTTAGCATGTTTTCAAGGTTCATCCATGTTGTAGCAAGTATCAGGAC-3'

ClinVar aggregate classification (germline): Benign (1 of 4 stars; one submission).

Allele frequency attached by ClinVar (database versions not stated): gnomAD 0.03128 and 0.03320; TOPMed 0.03600; 1000 Genomes Project 0.03694; 1000 Genomes Project 30x 0.03888.
gnomAD v4.1: 4,720 of 152,274 alleles (3.1%); highest among the groups gnomAD compares: African/African-American, 11%; 249 homozygotes.

Submission:

GeneDx
Classification: Benign. Last evaluated: 2018-06-16. Review status: criteria provided, single submitter. Criteria: GeneDx Variant Classification (06012015). Collection method: clinical testing. Allele origin: germline. Affected: yes.
Comment: This variant is considered likely benign or benign based on one or more of the following criteria: it is a conservative change, it occurs at a poorly conserved position in the protein, it is predicted to be benign by multiple in silico algorithms, and/or has population frequency not consistent with disease.